The following is an entry in ClinVar:

NM_016156.6(MTMR2):c.1459_1460del (p.Val487fs)

Gene: MTMR2 (myotubularin related protein 2; minus strand). Cytogenetic location: 11q21.
Variant type: Microsatellite.
Coding change: c.1459_1460del on transcript NM_016156.6 (MANE Select); coding-DNA positions 1459 to 1460, 2 bases deleted (GT; older notation c.1459_1460delGT).
Protein change: p.Val487fs; shifts the reading frame from valine 487.
Molecular consequence: frameshift variant.
Genome position (GRCh38, 1-based): chr11:95,841,636-95,841,637, AC deleted on the plus strand (GT on the coding strand, the reverse complement: MTMR2 is on the minus strand); deleting any 2 consecutive bases within chr11:95,841,636-95,841,640 gives the same sequence; the c. name uses the placement nearest the transcript's 3' end. VCF-style (leftmost placement, unchanged base first): chr11-95841635-GAC-G. GRCh37 (hg19) VCF-style: chr11-95574799-GAC-G.
Other names: c.1243_1244del, p.Val415fs (NM_001243571.2, NM_201278.3, NM_201281.3); short protein forms V415fs, V487fs.
Identifiers: ClinVar variation 1070808 (VCV001070808.7), dbSNP rs758637255, ClinGen allele CA6239989.

ClinVar aggregate classification (germline): Pathogenic (1 of 4 stars; one submission).

Conditions:
Charcot-Marie-Tooth disease type 4. Also called: Charcot-Marie-Tooth, Type 4; Charcot-Marie-Tooth disease, type IV. Identifiers: Orphanet 64749, MedGen C4082197, MONDO:0018995.

Submission:

Labcorp Genetics (formerly Invitae), Labcorp
Classification: Pathogenic for Charcot-Marie-Tooth disease type 4. Last evaluated: 2020-07-28. Review status: criteria provided, single submitter. Criteria: Invitae Variant Classification Sherloc (09022015). Collection method: clinical testing. Allele origin: germline.
Comment: For these reasons, this variant has been classified as Pathogenic. Loss-of-function variants in MTMR2 are known to be pathogenic (PMID: 10802647). This variant has not been reported in the literature in individuals with MTMR2-related conditions. This variant is present in population databases (rs758637255, ExAC 0.006%). This sequence change creates a premature translational stop signal (p.Val487Leufs*12) in the MTMR2 gene. It is expected to result in an absent or disrupted protein product.

Literature cited by the submitters: PubMed 10802647.